The following is an entry in ClinVar:

ClinVar aggregate classification (germline): Pathogenic (1 of 4 stars; one submission).

Submission:

Labcorp Genetics (formerly Invitae), Labcorp
Classification: Pathogenic. Last evaluated: 2023-07-28. Review status: criteria provided, single submitter. Criteria: Invitae Variant Classification Sherloc (09022015). Collection method: clinical testing. Allele origin: germline.
Comment: This sequence change creates a premature translational stop signal (p.Leu2046Cysfs*53) in the ARID1B gene. While this is not anticipated to result in nonsense mediated decay, it is expected to disrupt the last 204 amino acid(s) of the ARID1B protein. This variant is not present in population databases (gnomAD no frequency). This variant has not been reported in the literature in individuals affected with ARID1B-related conditions. ClinVar contains an entry for this variant (Variation ID: 2118848). This variant disrupts a region of the ARID1B protein in which other variant(s) (p.Arg2128*) have been determined to be pathogenic (PMID: 33619735). This suggests that this is a clinically significant region of the protein, and that variants that disrupt it are likely to be disease-causing. For these reasons, this variant has been classified as Pathogenic.

Literature cited by the submitters: PubMed 33619735.

NM_001374828.1(ARID1B):c.6504del (p.Leu2169fs)

Gene: ARID1B (AT-rich interaction domain 1B; plus strand). Cytogenetic location: 6q25.3.
Variant type: Deletion.
Coding change: c.6504del on transcript NM_001374828.1 (MANE Select); coding-DNA position 6504, one base deleted (C; older notation c.6504delC).
Protein change: p.Leu2169fs; shifts the reading frame from leucine 2169.
Molecular consequence: frameshift variant.
Genome position (GRCh38, 1-based): chr6:157,207,276, C deleted. VCF-style (leftmost placement, unchanged base first): chr6-157207275-GC-G. GRCh37 (hg19) VCF-style: chr6-157528409-GC-G.
Other names: c.6255delC, p.Leu2086Cysfs (NM_001346813.1); c.4005del, p.Leu1336fs (NM_001363725.2); c.6384del, p.Leu2129fs (NM_001371656.1, NM_001374820.1); c.6345del, p.Leu2116fs (NM_017519.3); c.6135delC, p.Leu2046Cysfs (NM_020732.3); c.5922delC, p.Leu1975Cysfs (NM_175863.2); short protein forms L1336fs, L2116fs, L2129fs, L2169fs.
Identifiers: ClinVar variation 2118848 (VCV002118848.4), dbSNP rs2538784632, ClinGen allele CA2580075272.